The following is an entry in ClinVar:

NM_000426.4(LAMA2):c.4393G>C (p.Asp1465His)

Gene: LAMA2 (laminin subunit alpha 2; plus strand). Cytogenetic location: 6q22.33.
Variant type: single nucleotide variant.
Coding change: c.4393G>C on transcript NM_000426.4 (MANE Select); coding-DNA position 4393, G replaced by C.
Protein change: p.Asp1465His; replaces aspartic acid 1465 with histidine.
Molecular consequence: missense variant.
Genome position (GRCh38, 1-based): chr6:129,342,424, G>C. VCF-style: chr6-129342424-G-C. GRCh37 (hg19) VCF-style: chr6-129663569-G-C.
Other names: c.4393G>C, p.Asp1465His (NM_001079823.2); short protein forms D1465H.
Identifiers: ClinVar variation 3635321 (VCV003635321.2).

ClinVar aggregate classification (germline): Uncertain significance (1 of 4 stars; one submission).

Conditions:
LAMA2-related muscular dystrophy (LAMA2-RD). Also called: Laminin alpha 2-related dystrophy. Identifiers: MedGen C5679788, MONDO:0100228.

Submission:

Labcorp Genetics (formerly Invitae), Labcorp
Classification: Uncertain significance for LAMA2-related muscular dystrophy. Last evaluated: 2024-02-17. Review status: criteria provided, single submitter. Criteria: Invitae Variant Classification Sherloc (09022015). Collection method: clinical testing. Allele origin: germline.
Comment: This sequence change replaces aspartic acid, which is acidic and polar, with histidine, which is basic and polar, at codon 1465 of the LAMA2 protein (p.Asp1465His). This variant is not present in population databases (gnomAD no frequency). This variant has not been reported in the literature in individuals affected with LAMA2-related conditions. Advanced modeling of protein sequence and biophysical properties (such as structural, functional, and spatial information, amino acid conservation, physicochemical variation, residue mobility, and thermodynamic stability) performed at Invitae indicates that this missense variant is not expected to disrupt LAMA2 protein function with a negative predictive value of 95%. In summary, the available evidence is currently insufficient to determine the role of this variant in disease. Therefore, it has been classified as a Variant of Uncertain Significance.